The following is an entry in ClinVar:

ClinVar aggregate classification (germline): Uncertain significance. Review status: criteria provided, multiple submitters, no conflicts (2 of 4 stars). 2 submissions from 2 submitters: Uncertain significance (2). Last evaluated 2025-09-24.

Conditions:
Spastic paraplegia. Identifiers: MedGen C0037772, HP:0001258.

Allele frequency attached by ClinVar (database versions not stated): gnomAD 0.00001; gnomAD exomes 0.00002; ExAC 0.00005; TOPMed 0.00006.
gnomAD v4.1: 28 of 1,614,038 alleles (0.0017%); highest among the groups gnomAD compares: Admixed American, 0.03%; no homozygotes.

Submissions (2):

Ambry Genetics
Classification: Uncertain significance. Last evaluated: 2025-09-24. Review status: criteria provided, single submitter. Criteria: Ambry Variant Classification Scheme 2023. Collection method: clinical testing. Allele origin: germline.

Labcorp Genetics (formerly Invitae), Labcorp
Classification: Uncertain significance for Spastic paraplegia. Last evaluated: 2023-06-17. Review status: criteria provided, single submitter. Criteria: Invitae Variant Classification Sherloc (09022015). Collection method: clinical testing. Allele origin: germline.
Comment: This variant is present in population databases (rs778201877, gnomAD 0.03%). In summary, the available evidence is currently insufficient to determine the role of this variant in disease. Therefore, it has been classified as a Variant of Uncertain Significance. An algorithm developed to predict the effect of missense changes on protein structure and function (PolyPhen-2) suggests that this variant is likely to be disruptive. This variant has not been reported in the literature in individuals affected with ZFYVE27-related conditions. This sequence change replaces proline, which is neutral and non-polar, with serine, which is neutral and polar, at codon 246 of the ZFYVE27 protein (p.Pro246Ser).

NM_001385875.1(ZFYVE27):c.736C>T (p.Pro246Ser)

Gene: ZFYVE27 (zinc finger FYVE-type containing 27; plus strand). Cytogenetic location: 10q24.2.
Variant type: single nucleotide variant.
Coding change: c.736C>T on transcript NM_001385875.1 (MANE Select); coding-DNA position 736, C replaced by T.
Protein change: p.Pro246Ser; replaces proline 246 with serine.
Molecular consequence: missense variant. On other transcripts: non-coding transcript variant (16).
Genome position (GRCh38, 1-based): chr10:97,750,402, C>T. VCF-style: chr10-97750402-C-T. GRCh37 (hg19) VCF-style: chr10-99510159-C-T.
Other names: c.736C>T, p.Pro246Ser (NM_001002261.4, NM_001002262.4, NM_001385871.1 and 8 more transcripts); c.640C>T, p.Pro214Ser (NM_001174119.2, NM_001385885.1, NM_001385886.1 and 3 more transcripts); c.478C>T, p.Pro160Ser (NM_001174120.2, NM_001385901.1, NM_001385902.1 and 3 more transcripts); c.442C>T, p.Pro148Ser (NM_001174121.2, NM_001385915.1); c.382C>T, p.Pro128Ser (NM_001174122.2, NM_001385918.1); c.775C>T, p.Pro259Ser (NM_001385876.1); c.700C>T, p.Pro234Ser (NM_001385881.1); c.532C>T, p.Pro178Ser (NM_001385894.1, NM_001385895.1, NM_001385896.1 and 6 more transcripts); and 4 more; short protein forms P160S, P214S, P246S, P128S, P167S, P234S, P259S, P135S.
Identifiers: ClinVar variation 2714567 (VCV002714567.4), dbSNP rs778201877, ClinGen allele CA5635263.